The following is an entry in ClinVar:

NM_001384140.1(PCDH15):c.2419dup (p.Ile807fs)

Gene: PCDH15 (protocadherin related 15; minus strand). Cytogenetic location: 10q21.1.
Variant type: Duplication.
Coding change: c.2419dup on transcript NM_001384140.1 (MANE Select); coding-DNA position 2419, one base duplicated (A; older notation c.2419dupA).
Protein change: p.Ile807fs; shifts the reading frame from isoleucine 807.
Molecular consequence: frameshift variant.
Genome position (GRCh38, 1-based): chr10:54,022,999, T duplicated on the plus strand (A on the coding strand, the reverse complement: PCDH15 is on the minus strand). VCF-style (leftmost placement, unchanged base first): chr10-54022998-A-AT. GRCh37 (hg19) VCF-style: chr10-55782758-A-AT.
Other names: p.Ile807AsnfsX7; NM_001384140.1(PCDH15):c.2419dup; p.Ile807fs; c.2434dup, p.Ile812fs (NM_001142763.2, NM_001142771.2); c.2419dup, p.Ile807fs (NM_001142764.2, NM_001142766.2, NM_001142770.3 and 5 more transcripts); c.2206dup, p.Ile736fs (NM_001142765.2); c.2308dup, p.Ile770fs (NM_001142767.2); c.2353dup, p.Ile785fs (NM_001142768.2, NM_001142773.2, NM_001354404.2); and 2 more; short protein forms I814fs, I770fs, I807fs, I736fs, I785fs, I812fs, I819fs.
Identifiers: ClinVar variation 371039 (VCV000371039.8), dbSNP rs781148814, ClinGen allele CA5506029.

ClinVar aggregate classification (germline): Pathogenic. Review status: criteria provided, multiple submitters, no conflicts (2 of 4 stars). 3 submissions from 3 submitters: Pathogenic (2). 1 of the submissions does not count toward it. Last evaluated 2023-01-24.

Conditions:
Rare genetic deafness. Identifiers: Orphanet 96210, MedGen C5680250.
Usher syndrome type 1F (USH1F). Also called: USHER SYNDROME, TYPE IF. Identifiers: Orphanet 231169, Orphanet 886, MedGen C1865885, MONDO:0011186, OMIM 602083.

Allele frequency attached by ClinVar (database versions not stated): TOPMed below 0.00001; ExAC 0.00001; gnomAD exomes 0.00001.

Submissions (3):

Broad Center for Mendelian Genomics, Broad Institute of MIT and Harvard
Classification: Pathogenic for Usher syndrome type 1F. Last evaluated: 2023-01-24. Review status: criteria provided, single submitter. Criteria: ACMG Guidelines, 2015. Collection method: curation. Allele origin: germline. Inheritance: Autosomal recessive inheritance.
Comment: Although this variant has been seen in the general population in a heterozygous state, its frequency is low enough to be consistent with a recessive carrier frequency. This variant is predicted to cause a frameshift, which alters the protein‚Äôs amino acid sequence beginning at position 807 and leads to a premature termination codon 7 amino acids downstream. This alteration is then predicted to lead to a truncated or absent protein. Loss of function of the PCDH15 gene is an established disease mechanism in autosomal recessive Usher syndrome type 1F. In summary, this variant meets criteria to be classified as pathogenic for autosomal recessive Usher syndrome type 1F. ACMG/AMP Criteria applied: PVS1, PM2_supporting, PM3 (Richards 2015).

Laboratory for Molecular Medicine, Mass General Brigham Personalized Medicine
Classification: Pathogenic for Rare genetic deafness. Last evaluated: 2017-07-10. Review status: criteria provided, single submitter. Criteria: LMM Criteria. Collection method: clinical testing. Allele origin: germline. Inheritance: Autosomal recessive inheritance. Observed: 1 variant allele.
Comment: The p.Ile807fs variant in PCDH15 has not been previously reported in the literat ure, but has been reported in ClinVar (Variation ID: 371039). This variant has b een identified in 2/111580 European chromosomes by the Genome Aggregation Databa se (gnomAD; dbSNP rs781148814). This variant is predicted to cause a frameshift, which alters the protein?s amino acid sequen ce beginning at position 807 and leads to a premature termination codon 7 amino acids downstream. Loss of function of the PCDH15 gene is an established disease mechanism in autosomal recessive Usher syndrome type 1. In summary, this varian t meets criteria to be classified as pathogenic for Usher syndrome type 1 in an autosomal recessive manner based on predicted impact to the protein.

Counsyl
Classification: Likely pathogenic for Usher syndrome type 1F. Last evaluated: 2016-06-21. Review status: no assertion criteria provided. Collection method: clinical testing. Allele origin: unknown. Not counted in ClinVar's aggregate classification.